The following is an entry in ClinVar:

NM_000285.4(PEPD):c.504-1G>A

Gene: PEPD (peptidase D; minus strand). Cytogenetic location: 19q13.11.
Variant type: single nucleotide variant.
Coding change: c.504-1G>A on transcript NM_000285.4 (MANE Select); the canonical splice acceptor site of the intron before coding-DNA position 504, G replaced by A.
Molecular consequence: splice acceptor variant.
Genome position (GRCh38, 1-based): chr19:33,478,091, C>T on the plus strand (G>A on the coding strand, the complement: PEPD is on the minus strand). VCF-style: chr19-33478091-C-T. GRCh37 (hg19) VCF-style: chr19-33968997-C-T.
Other names: c.312-1G>A (NM_001166057.2); c.504-1G>A (NM_001166056.2).
Identifiers: ClinVar variation 804428 (VCV000804428.11), dbSNP rs542228812, ClinGen allele CA405229441.

ClinVar aggregate classification (germline): Pathogenic/Likely pathogenic. Review status: criteria provided, multiple submitters, no conflicts (2 of 4 stars). 2 submissions from 2 submitters: Pathogenic (1); Likely pathogenic (1). Last evaluated 2025-01-15.

Conditions:
Prolidase deficiency. Identifiers: Orphanet 742, MedGen C0268532, MONDO:0008221, OMIM 170100.

gnomAD v4.1: 1 of 1,607,406 alleles (0.000062%); highest among the groups gnomAD compares: Non-Finnish European, 0.000085%; no homozygotes.

Submissions (4):

Labcorp Genetics (formerly Invitae), Labcorp
Classification: Pathogenic. Last evaluated: 2025-01-15. Review status: criteria provided, single submitter. Criteria: Invitae Variant Classification Sherloc (09022015). Collection method: clinical testing. Allele origin: germline.
Comment: This sequence change affects an acceptor splice site in intron 6 of the PEPD gene. It is expected to disrupt RNA splicing. Variants that disrupt the donor or acceptor splice site typically lead to a loss of protein function (PMID: 16199547), and loss-of-function variants in PEPD are known to be pathogenic (PMID: 8198124, 10721675, 12384772, 17142620). This variant is not present in population databases (gnomAD no frequency). Disruption of this splice site has been observed in individual(s) with prolidase deficiency (PMID: 8198124, 8408817). ClinVar contains an entry for this variant (Variation ID: 804428). Algorithms developed to predict the effect of sequence changes on RNA splicing suggest that this variant may disrupt the consensus splice site. For these reasons, this variant has been classified as Pathogenic.

Hadassah Hebrew University Medical Center
Classification: Likely pathogenic for Prolidase deficiency. Last evaluated: 2019-06-20. Review status: criteria provided, single submitter. Criteria: ACMG Guidelines, 2015. Collection method: clinical testing. Allele origin: germline. Inheritance: Autosomal recessive inheritance. Affected: yes.

Dr. Peter K. Rogan Lab, Western University
No classification provided (evidence only). Condition: Thyroid cancer, nonmedullary, 1. Review status: no classification provided. Collection method: in vitro. Allele origin: not applicable. Functional consequence: retained intron. Not counted in ClinVar's aggregate classification.

Dr. Peter K. Rogan Lab, Western University
No classification provided (evidence only). Condition: Nonpapillary renal cell carcinoma. Review status: no classification provided. Collection method: in vitro. Allele origin: not applicable. Functional consequence: skipped exon. Not counted in ClinVar's aggregate classification.

Literature cited by the submitters: PubMed 16199547 (cited by Labcorp Genetics (formerly Invitae), Labcorp); PubMed 8198124 (cited by Labcorp Genetics (formerly Invitae), Labcorp); PubMed 10721675 (cited by Labcorp Genetics (formerly Invitae), Labcorp); PubMed 12384772 (cited by Labcorp Genetics (formerly Invitae), Labcorp); PubMed 17142620 (cited by Labcorp Genetics (formerly Invitae), Labcorp); PubMed 8408817 (cited by Labcorp Genetics (formerly Invitae), Labcorp).